The following is an entry in ClinVar:

ClinVar aggregate classification (germline): Uncertain significance. Review status: criteria provided, multiple submitters, no conflicts (2 of 4 stars). 2 submissions from 2 submitters: Uncertain significance (2). Last evaluated 2024-09-28.

Conditions:
Cardiovascular phenotype. Identifiers: MedGen CN230736.

gnomAD v4.1: 6 of 1,613,912 alleles (0.00037%); highest among the groups gnomAD compares: Non-Finnish European, 0.00051%; no homozygotes.

Submissions (2):

Labcorp Genetics (formerly Invitae), Labcorp
Classification: Uncertain significance. Last evaluated: 2024-09-28. Review status: criteria provided, single submitter. Criteria: Invitae Variant Classification Sherloc (09022015). Collection method: clinical testing. Allele origin: germline.
Comment: This sequence change replaces arginine, which is basic and polar, with leucine, which is neutral and non-polar, at codon 392 of the TBX20 protein (p.Arg392Leu). This variant is not present in population databases (gnomAD no frequency). This variant has not been reported in the literature in individuals affected with TBX20-related conditions. ClinVar contains an entry for this variant (Variation ID: 1379218). Invitae Evidence Modeling of protein sequence and biophysical properties (such as structural, functional, and spatial information, amino acid conservation, physicochemical variation, residue mobility, and thermodynamic stability) indicates that this missense variant is not expected to disrupt TBX20 protein function with a negative predictive value of 80%. In summary, the available evidence is currently insufficient to determine the role of this variant in disease. Therefore, it has been classified as a Variant of Uncertain Significance.

Ambry Genetics
Classification: Uncertain significance for Cardiovascular phenotype. Last evaluated: 2019-09-11. Review status: criteria provided, single submitter. Criteria: Ambry Variant Classification Scheme 2023. Collection method: clinical testing. Allele origin: germline.
Comment: The p.R392L variant (also known as c.1175G>T), located in coding exon 8 of the TBX20 gene, results from a G to T substitution at nucleotide position 1175. The arginine at codon 392 is replaced by leucine, an amino acid with dissimilar properties. This amino acid position is highly conserved in available vertebrate species. In addition, this alteration is predicted to be deleterious by in silico analysis. Since supporting evidence is limited at this time, the clinical significance of this alteration remains unclear.

NM_001077653.2(TBX20):c.1175G>T (p.Arg392Leu)

Gene: TBX20 (T-box transcription factor 20; minus strand). Cytogenetic location: 7p14.2.
Variant type: single nucleotide variant.
Coding change: c.1175G>T on transcript NM_001077653.2 (MANE Select); coding-DNA position 1175, G replaced by T.
Protein change: p.Arg392Leu; replaces arginine 392 with leucine.
Molecular consequence: missense variant.
Genome position (GRCh38, 1-based): chr7:35,202,599, C>A on the plus strand (G>T on the coding strand, the complement: TBX20 is on the minus strand). VCF-style: chr7-35202599-C-A. GRCh37 (hg19) VCF-style: chr7-35242211-C-A.
Other names: short protein forms R392L.
Identifiers: ClinVar variation 1379218 (VCV001379218.10), dbSNP rs768119874, ClinGen allele CA367263055.